The following is an entry in ClinVar:

NM_001004334.4(GPR179):c.6798T>G (p.Phe2266Leu)

Gene: GPR179 (G protein-coupled receptor 179; minus strand). Cytogenetic location: 17q12.
Variant type: single nucleotide variant.
Coding change: c.6798T>G on transcript NM_001004334.4 (MANE Select); coding-DNA position 6798, T replaced by G.
Protein change: p.Phe2266Leu; replaces phenylalanine 2266 with leucine.
Molecular consequence: missense variant.
Genome position (GRCh38, 1-based): chr17:38,326,771, A>C on the plus strand (T>G on the coding strand, the complement: GPR179 is on the minus strand). VCF-style: chr17-38326771-A-C. GRCh37 (hg19) VCF-style: chr17-36482654-A-C.
Other names: c.6798T>G (NM_001004334.3); short protein forms F2266L.
Identifiers: ClinVar variation 322967 (VCV000322967.15), dbSNP rs141146547, ClinGen allele CA10639540.

ClinVar aggregate classification (germline): Benign/Likely benign. Review status: criteria provided, multiple submitters, no conflicts (2 of 4 stars). 4 submissions from 4 submitters: Benign (2); Likely benign (1). 1 of the submissions does not count toward it. Last evaluated 2025-12-09.

Conditions:
GPR179-related disorder. Also called: GPR179-related condition.
Congenital stationary night blindness 1E. Also called: Night blindness, congenital stationary (complete), 1E, autosomal recessive. Identifiers: Orphanet 215, MedGen C3281215, MONDO:0013807, OMIM 614565.

Allele frequency attached by ClinVar (database versions not stated): gnomAD 0.00025 and 0.00032; TOPMed 0.00053; 1000 Genomes Project 0.00140; 1000 Genomes Project 30x 0.00141.
gnomAD v4.1: 368 of 1,614,206 alleles (0.023%); highest among the groups gnomAD compares: East Asian, 0.74%; 1 homozygote.

Submissions (4):

Labcorp Genetics (formerly Invitae), Labcorp
Classification: Benign. Last evaluated: 2025-12-09. Review status: criteria provided, single submitter. Criteria: Invitae Variant Classification Sherloc (09022015). Collection method: clinical testing. Allele origin: germline.

Blueprint Genetics
Classification: Likely benign. Last evaluated: 2024-11-22. Review status: criteria provided, single submitter. Criteria: ACMG Guidelines, 2015. Collection method: clinical testing. Allele origin: germline.

Illumina Laboratory Services, Illumina
Classification: Benign for Congenital stationary night blindness 1E. Last evaluated: 2018-01-13. Review status: criteria provided, single submitter. Criteria: ICSL Variant Classification Criteria 13 December 2019. Collection method: clinical testing. Allele origin: germline.
Comment: This variant was observed in the ICSL laboratory as part of a predisposition screen in an ostensibly healthy population. It had not been previously curated by ICSL or reported in the Human Gene Mutation Database (HGMD: prior to June 1st, 2018), and was therefore a candidate for classification through an automated scoring system. Utilizing variant allele frequency, disease prevalence and penetrance estimates, and inheritance mode, an automated score was calculated to assess if this variant is too frequent to cause the disease. Based on the score and internal cut-off values, a variant classified as benign is not then subjected to further curation. The score for this variant resulted in a classification of benign for this disease.

PreventionGenetics, part of Exact Sciences
Classification: Benign for GPR179-related condition. Last evaluated: 2019-07-03. Review status: no assertion criteria provided. Collection method: clinical testing. Allele origin: germline. Not counted in ClinVar's aggregate classification.
Comment: This variant is classified as benign based on ACMG/AMP sequence variant interpretation guidelines (Richards et al. 2015 PMID: 25741868, with internal and published modifications).